The following is an entry in ClinVar:

ClinVar aggregate classification (germline): Benign/Likely benign. Review status: criteria provided, multiple submitters, no conflicts (2 of 4 stars). 5 submissions from 5 submitters: Benign (2); Likely benign (3). Last evaluated 2026-01-27.

Conditions:
Orofacial-digital syndrome IV (OFD4). Also called: Orofaciodigital syndrome IV; MOHR-MAJEWSKI SYNDROME; BARAITSER-BURN SYNDROME; OFD SYNDROME WITH TIBIAL DEFECTS; OFD SYNDROME, BARAITSER-BURN TYPE; OFDS IV. Identifiers: Orphanet 2753, MedGen C0406727, MONDO:0009794, OMIM 258860.
Joubert syndrome 18 (JBTS18). Identifiers: Orphanet 2754, MedGen C3553758, MONDO:0013896, OMIM 614815.

Allele frequency attached by ClinVar (database versions not stated): ExAC 0.00122; ESP Exome Variant Server 0.00329; 1000 Genomes Project 0.00339; TOPMed 0.00362; 1000 Genomes Project 30x 0.00375.
gnomAD v4.1: 978 of 1,551,682 alleles (0.063%); highest among the groups gnomAD compares: African/African-American, 1.2%; 4 homozygotes.

Submissions (5):

Labcorp Genetics (formerly Invitae), Labcorp
Classification: Benign for Joubert syndrome 18; Orofacial-digital syndrome IV. Last evaluated: 2026-01-27. Review status: criteria provided, single submitter. Criteria: Invitae Variant Classification Sherloc (09022015). Collection method: clinical testing. Allele origin: germline.

Blueprint Genetics
Classification: Likely benign. Last evaluated: 2024-11-04. Review status: criteria provided, single submitter. Criteria: ACMG Guidelines, 2015. Collection method: clinical testing. Allele origin: germline.

CeGaT Center for Human Genetics Tuebingen
Classification: Benign. Last evaluated: 2023-12-01. Review status: criteria provided, single submitter. Criteria: CeGaT Center For Human Genetics Tuebingen Variant Classification Criteria Version 2. Collection method: clinical testing. Allele origin: germline. Affected: yes. Observed: 3 variant alleles.
Comment: TCTN3: BP4, BS1, BS2

GeneDx
Classification: Likely benign. Last evaluated: 2020-02-05. Review status: criteria provided, single submitter. Criteria: GeneDx Variant Classification Process June 2021. Collection method: clinical testing. Allele origin: germline. Affected: yes.

Breakthrough Genomics
Classification: Likely benign. Review status: criteria provided, single submitter. Criteria: ACMG Guidelines, 2015. Collection method: not provided. Allele origin: germline. Inheritance: Autosomal recessive inheritance. Affected: yes.

NM_015631.6(TCTN3):c.211G>T (p.Val71Leu)

Genes: TCTN3 (tectonic family member 3; minus strand), LOC130004408 (ATAC-STARR-seq lymphoblastoid active region 3801; plus strand). Cytogenetic location: 10q24.1.
Variant type: single nucleotide variant.
Coding change: c.211G>T on transcript NM_015631.6 (MANE Select); coding-DNA position 211, G replaced by T.
Protein change: p.Val71Leu; replaces valine 71 with leucine.
Molecular consequence: missense variant.
Genome position (GRCh38, 1-based): chr10:95,693,689, C>A on the plus strand (G>T on the coding strand, the complement: TCTN3 is on the minus strand). VCF-style: chr10-95693689-C-A. GRCh37 (hg19) VCF-style: chr10-97453446-C-A.
Other names: c.211G>T, p.Val71Leu (NM_001143973.2); short protein forms V71L.
Identifiers: ClinVar variation 506607 (VCV000506607.39), dbSNP rs138495428, ClinGen allele CA5621197.
Genomic context (GRCh38, chr10:95,693,689, plus strand): 5'-AACGTTTTCCCTCACCTGGGAAGAGGTCCACAGTCCTATTCCCAGGGGCCGAGGGAGTCA[C>A]GAGAGTAGGGACCACTGTAGGGAGTCCAGGCACGGCCGGGCGAGTTGCAGTCGCCTCTGA-3'
Protein context (NP_056446.4, residues 61-81): PGLPTVVPTL[Val71Leu]TPSAPGNRTV